The following is an entry in ClinVar:

NM_020911.2(PLXNA4):c.4927C>A (p.Pro1643Thr)

Gene: PLXNA4 (plexin A4; minus strand). Cytogenetic location: 7q32.3.
Variant type: single nucleotide variant.
Coding change: c.4927C>A on transcript NM_020911.2 (MANE Select); coding-DNA position 4927, C replaced by A.
Protein change: p.Pro1643Thr; replaces proline 1643 with threonine.
Molecular consequence: missense variant.
Genome position (GRCh38, 1-based): chr7:132,146,638, G>T on the plus strand (C>A on the coding strand, the complement: PLXNA4 is on the minus strand). VCF-style: chr7-132146638-G-T. GRCh37 (hg19) VCF-style: chr7-131831397-G-T.
Other names: c.4927C>A, p.Pro1643Thr (NM_001393897.1); short protein forms P1643T.
Identifiers: ClinVar variation 2632070 (VCV002632070.2), dbSNP rs750385003, ClinGen allele CA4489031.

ClinVar aggregate classification (germline): Uncertain significance (0 of 4 stars; one submission).

Conditions:
PLXNA4-related disorder. Also called: PLXNA4-related condition.

Allele frequency attached by ClinVar (database versions not stated): gnomAD 0.00001; ExAC 0.00007.
gnomAD v4.1: 19 of 1,614,082 alleles (0.0012%); highest among the groups gnomAD compares: Admixed American, 0.032%; no homozygotes.

Submission:

PreventionGenetics, part of Exact Sciences
Classification: Uncertain significance for PLXNA4-related condition. Last evaluated: 2024-05-14. Review status: no assertion criteria provided. Collection method: clinical testing. Allele origin: germline.
Comment: The PLXNA4 c.4927C>A variant is predicted to result in the amino acid substitution p.Pro1643Thr. To our knowledge, this variant has not been reported in the literature. This variant is reported in 0.046% of alleles in individuals of Latino descent in gnomAD. At this time, the clinical significance of this variant is uncertain due to the absence of conclusive functional and genetic evidence.